The following is an entry in ClinVar:

ClinVar aggregate classification (germline): Likely benign. Review status: criteria provided, multiple submitters, no conflicts (2 of 4 stars). 2 submissions from 2 submitters: Likely benign (2). Last evaluated 2025-05-04.

Conditions:
TUBGCP2-related disorder. Also called: TUBGCP2-related condition.

Allele frequency attached by ClinVar (database versions not stated): 1000 Genomes Project 30x 0.00031; ESP Exome Variant Server 0.00031; 1000 Genomes Project 0.00040; ExAC 0.00043; TOPMed 0.00045; gnomAD 0.00046; gnomAD exomes 0.00047.
gnomAD v4.1: 743 of 1,612,210 alleles (0.046%); highest among the groups gnomAD compares: Middle Eastern, 0.077%; no homozygotes.

Submissions (2):

PreventionGenetics, part of Exact Sciences
Classification: Likely benign for TUBGCP2-related condition. Last evaluated: 2025-05-04. Review status: criteria provided, single submitter. Criteria: ACMG Guidelines, 2015. Collection method: clinical testing. Allele origin: germline.
Comment: This variant is classified as likely benign based on ACMG/AMP sequence variant interpretation guidelines (Richards et al. 2015 PMID: 25741868, with internal and published modifications).

CeGaT Center for Human Genetics Tuebingen
Classification: Likely benign. Last evaluated: 2023-04-01. Review status: criteria provided, single submitter. Criteria: CeGaT Center For Human Genetics Tuebingen Variant Classification Criteria Version 2. Collection method: clinical testing. Allele origin: germline. Affected: yes. Observed: 1 variant allele.
Comment: TUBGCP2: BP4

NM_006659.4(TUBGCP2):c.1024+4C>T

Genes: TUBGCP2 (tubulin gamma complex component 2; minus strand), LOC126861106 (P300/CBP strongly-dependent group 1 enhancer GRCh37_chr10:135106330-135107529; plus strand). Cytogenetic location: 10q26.3.
Variant type: single nucleotide variant.
Coding change: c.1024+4C>T on transcript NM_006659.4 (MANE Select); 4 bases into the intron after coding-DNA position 1024, C replaced by T.
Molecular consequence: intron variant.
Genome position (GRCh38, 1-based): chr10:133,293,035, G>A on the plus strand (C>T on the coding strand, the complement: TUBGCP2 is on the minus strand). VCF-style: chr10-133293035-G-A. GRCh37 (hg19) VCF-style: chr10-135106539-G-A.
Other names: c.634+4C>T (NM_001256618.2); c.1108+4C>T (NM_001256617.2, NM_001256617.1).
Identifiers: ClinVar variation 2570779 (VCV002570779.28), dbSNP rs200320382, ClinGen allele CA5764303.